The following is an entry in ClinVar:

NM_002474.3(MYH11):c.4540G>A (p.Glu1514Lys)

Genes: MYH11 (myosin heavy chain 11; minus strand), NDE1 (nudE neurodevelopment protein 1; plus strand). Cytogenetic location: 16p13.11.
Variant type: single nucleotide variant.
Coding change: c.4540G>A on transcript NM_002474.3 (MANE Select); coding-DNA position 4540, G replaced by A.
Protein change: p.Glu1514Lys; replaces glutamic acid 1514 with lysine.
Molecular consequence: missense variant. On other transcripts: intron variant (2).
Genome position (GRCh38, 1-based): chr16:15,721,460, C>T on the plus strand (G>A on the coding strand, the complement: MYH11 is on the minus strand). VCF-style: chr16-15721460-C-T. GRCh37 (hg19) VCF-style: chr16-15815317-C-T.
Other names: c.4561G>A, p.Glu1521Lys (NM_001040113.2, NM_001040114.2); c.4540G>A, p.Glu1514Lys (NM_022844.3); c.948-2731C>T (NM_001143979.2, NM_017668.3); short protein forms E1521K, E1514K.
Identifiers: ClinVar variation 2773805 (VCV002773805.2), dbSNP rs2506126196, ClinGen allele CA394854931.

ClinVar aggregate classification (germline): Uncertain significance (1 of 4 stars; one submission).

Conditions:
Familial thoracic aortic aneurysm and aortic dissection (TAAD). Also called: Thoracic aortic aneurysms and dissections. Identifiers: Orphanet 91387, MedGen C4707243, MONDO:0019625.

Submission:

Color Diagnostics, LLC DBA Color Health
Classification: Uncertain significance for Familial thoracic aortic aneurysm and aortic dissection. Last evaluated: 2022-11-21. Review status: criteria provided, single submitter. Criteria: ACMG Guidelines, 2015. Collection method: clinical testing. Allele origin: germline.
Comment: This missense variant replaces glutamic acid with lysine at codon 1521 of the MYH11 protein. Computational prediction is inconclusive regarding the impact of this variant on protein structure and function (internally defined REVEL score threshold 0.5 < inconclusive < 0.7, PMID: 27666373). To our knowledge, functional studies have not been reported for this variant. This variant has not been reported in individuals affected with MYH11-related disorders in the literature. This variant has not been identified in the general population by the Genome Aggregation Database (gnomAD). The available evidence is insufficient to determine the role of this variant in disease conclusively. Therefore, this variant is classified as a Variant of Uncertain Significance.